The following is an entry in ClinVar:

NM_000322.5(PRPH2):c.535T>C (p.Trp179Arg)

Gene: PRPH2 (peripherin 2; minus strand). Cytogenetic location: 6p21.1.
Variant type: single nucleotide variant.
Coding change: c.535T>C on transcript NM_000322.5 (MANE Select); coding-DNA position 535, T replaced by C.
Protein change: p.Trp179Arg; replaces tryptophan 179 with arginine.
Molecular consequence: missense variant.
Genome position (GRCh38, 1-based): chr6:42,721,800, A>G on the plus strand (T>C on the coding strand, the complement: PRPH2 is on the minus strand). VCF-style: chr6-42721800-A-G. GRCh37 (hg19) VCF-style: chr6-42689538-A-G.
Other names: short protein forms W179R.
Identifiers: ClinVar variation 98677 (VCV000098677.8), dbSNP rs61755796, ClinGen allele CA226252.

ClinVar aggregate classification (germline): Pathogenic/Likely pathogenic. Review status: criteria provided, multiple submitters, no conflicts (2 of 4 stars). 5 submissions from 5 submitters: Pathogenic (1); Likely pathogenic (2). 2 of the submissions do not count toward it. Last evaluated 2023-06-15.

Conditions:
PRPH2-related disorder. Also called: PRPH2-related condition; PRPH2-related disorders. Identifiers: MedGen CN239395.
Retinitis pigmentosa (RP). Identifiers: Orphanet 791, MedGen C0035334, MeSH D012174, MONDO:0019200, OMIM 268000. Inheritance: Autosomal dominant, autosomal recessive and X linked inheritance.
Retinitis pigmentosa 7 (RP7). Identifiers: Orphanet 791, MedGen C1842475, MONDO:0011974, OMIM 608133.

Allele frequency attached by ClinVar (database versions not stated): gnomAD exomes below 0.00001.
gnomAD v4.1: 1 of 1,614,220 alleles (0.000062%); highest among the groups gnomAD compares: Non-Finnish European, 0.000085%; no homozygotes.

Submissions (5):

3billion
Classification: Likely pathogenic for Retinitis pigmentosa 7. Last evaluated: 2023-06-15. Review status: criteria provided, single submitter. Criteria: ACMG Guidelines, 2015. Collection method: clinical testing. Allele origin: germline. Affected: yes.
Comment: The variant is not observed in the gnomAD v2.1.1 dataset. Predicted Consequence/Location: Missense variant In silico tool predictions suggest damaging effect of the variant on gene or gene product (REVEL: 0.90; 3Cnet: 0.99). Same nucleotide change resulting in same amino acid change has been previously reported as pathogenic/likely pathogenic with strong evidence (ClinVar ID: VCV000098677 /PMID: 10862101). Different missense changes at the same codon (p.Trp179Cys, p.Trp179Gly, p.Trp179Leu) have been reported as pathogenic/likely pathogenic with strong evidence (ClinVar ID: VCV000866955, VCV001175256, VCV001685416 /PMID: 25698705, 32531846, 33576794). Therefore, this variant is classified as Likely pathogenic according to the recommendation of ACMG/AMP guideline.

Labcorp Genetics (formerly Invitae), Labcorp
Classification: Pathogenic for PRPH2-related disorder. Last evaluated: 2022-10-11. Review status: criteria provided, single submitter. Criteria: Invitae Variant Classification Sherloc (09022015). Collection method: clinical testing. Allele origin: germline.
Comment: This sequence change replaces tryptophan, which is neutral and slightly polar, with arginine, which is basic and polar, at codon 179 of the PRPH2 protein (p.Trp179Arg). This variant is not present in population databases (gnomAD no frequency). For these reasons, this variant has been classified as Pathogenic. Advanced modeling of protein sequence and biophysical properties (such as structural, functional, and spatial information, amino acid conservation, physicochemical variation, residue mobility, and thermodynamic stability) performed at Invitae indicates that this missense variant is expected to disrupt PRPH2 protein function. ClinVar contains an entry for this variant (Variation ID: 98677). This missense change has been observed in individual(s) with retinitis pigmentosa (PMID: 10862101, 33576794, 33691693). It has also been observed to segregate with disease in related individuals.

NEI Ophthalmic Genomics Laboratory, National Institutes of Health
Classification: Likely pathogenic for Retinitis pigmentosa. Last evaluated: 2020-01-07. Review status: criteria provided, single submitter. Criteria: ACMG Guidelines, 2015. Collection method: clinical testing. Allele origin: germline. Affected: yes.
Comment: The variant NM_000322.4:c.535T>C in the PRPH2 gene has been previously studied(PMID 10862101). This variant is listed in dbSNP and/or HGMD (rs61755796,CM003950). It is absent in gnomAD browser. It is not enriched in the PRPH2 disease cohort. We invoked ACMG criteria [PM1, PM2, PP3, PP5] and classified NM_000322.4:c.535T>C in the PRPH2 gene as a Likely Pathogenic mutation.

Leiden Open Variation Database
Classification: Likely pathogenic. Last evaluated: 2021-05-10. Review status: no assertion criteria provided. Collection method: curation. Allele origin: germline. Affected: yes. Not counted in ClinVar's aggregate classification.
Comment: Curator: Global Variome, with Curator vacancy. Submitters to LOVD: LOVD, Manon Peeters.

Retina International
No classification provided. Review status: no classification provided. Collection method: not provided. Allele origin: not provided. Not counted in ClinVar's aggregate classification.

Literature cited by the submitters: PubMed 25698705 (cited by 3billion); PubMed 10862101 (cited by 3 submitters); PubMed 33576794 (cited by Labcorp Genetics (formerly Invitae), Labcorp); PubMed 33691693 (cited by Labcorp Genetics (formerly Invitae), Labcorp); PubMed 24938718 (cited by Leiden Open Variation Database); PubMed 25447119 (cited by Leiden Open Variation Database); PubMed 28076437 (cited by Leiden Open Variation Database); PubMed 32531846 (cited by Leiden Open Variation Database).